The following is an entry in ClinVar:

ClinVar aggregate classification (germline): Conflicting classifications of pathogenicity. Review status: criteria provided, conflicting classifications (1 of 4 stars). 4 submissions from 4 submitters: Uncertain significance (3); Likely benign (1). Last evaluated 2025-07-12.

Conditions:
Classic or attenuated familial adenomatous polyposis. Identifiers: MedGen CN372698, MONDO:0021057.
Hereditary cancer-predisposing syndrome. Also called: Neoplastic Syndromes, Hereditary; Tumor predisposition; Hereditary neoplastic syndrome; Hereditary Cancer Syndrome. Identifiers: Orphanet 140162, MedGen C0027672, MeSH D009386, MONDO:0015356.
Familial adenomatous polyposis 1 (FAP1). Also called: POLYPOSIS, ADENOMATOUS INTESTINAL; FAMILIAL ADENOMATOUS POLYPOSIS 1, ATTENUATED. Identifiers: MedGen C2713442, MONDO:0021056, OMIM 175100. Disease mechanism: loss of function.

Allele frequency attached by ClinVar (database versions not stated): TOPMed below 0.00001.

Submissions (4):

Quest Diagnostics Nichols Institute San Juan Capistrano
Classification: Uncertain significance. Last evaluated: 2025-07-12. Review status: criteria provided, single submitter. Criteria: Quest Diagnostics criteria. Collection method: clinical testing. Allele origin: unknown.
Comment: The APC c.3941G>A (p.Arg1314Lys) variant has been identified in the published literature in reportedly unaffected individuals (PMID: 36243179 (2022)). This variant has not been reported in large, multi-ethnic general populations (Genome Aggregation Database). Analysis of this variant using bioinformatics tools for the prediction of the effect of amino acid changes on protein structure and function yielded predictions that this variant is benign. Based on the available information, we are unable to determine the clinical significance of this variant.

Ambry Genetics
Classification: Likely benign for Hereditary cancer-predisposing syndrome. Last evaluated: 2025-02-04. Review status: criteria provided, single submitter. Criteria: Ambry Variant Classification Scheme 2023. Collection method: clinical testing. Allele origin: germline.

Labcorp Genetics (formerly Invitae), Labcorp
Classification: Uncertain significance for Familial adenomatous polyposis 1. Last evaluated: 2024-07-24. Review status: criteria provided, single submitter. Criteria: Invitae Variant Classification Sherloc (09022015). Collection method: clinical testing. Allele origin: germline.
Comment: This sequence change replaces arginine, which is basic and polar, with lysine, which is basic and polar, at codon 1314 of the APC protein (p.Arg1314Lys). This variant is not present in population databases (gnomAD no frequency). This variant has not been reported in the literature in individuals affected with APC-related conditions. ClinVar contains an entry for this variant (Variation ID: 824403). Advanced modeling of protein sequence and biophysical properties (such as structural, functional, and spatial information, amino acid conservation, physicochemical variation, residue mobility, and thermodynamic stability) performed at Invitae indicates that this missense variant is not expected to disrupt APC protein function with a negative predictive value of 95%. In summary, the available evidence is currently insufficient to determine the role of this variant in disease. Therefore, it has been classified as a Variant of Uncertain Significance.

All of Us Research Program, National Institutes of Health
Classification: Uncertain significance for Classic or attenuated familial adenomatous polyposis. Last evaluated: 2023-03-04. Review status: criteria provided, single submitter. Criteria: ACMG Guidelines, 2015. Collection method: clinical testing. Allele origin: germline. Inheritance: Autosomal dominant inheritance. Observed: 1 variant allele, 1 heterozygote.
Comment: This study involves interpretation of variants in research participants for the purpose of population health screening. Participant phenotype was not available at the time of variant classification. Additional details can be found in publication PMID: 35346344, PMCID: PMC8962531

Literature cited by the submitters: PubMed 36243179 (cited by Quest Diagnostics Nichols Institute San Juan Capistrano).

NM_000038.6(APC):c.3941G>A (p.Arg1314Lys)

Gene: APC (APC regulator of Wnt signaling pathway; plus strand). Cytogenetic location: 5q22.2.
Variant type: single nucleotide variant.
Coding change: c.3941G>A on transcript NM_000038.6 (MANE Select); coding-DNA position 3941, G replaced by A.
Protein change: p.Arg1314Lys; replaces arginine 1314 with lysine.
Molecular consequence: missense variant.
Genome position (GRCh38, 1-based): chr5:112,839,535, G>A. VCF-style: chr5-112839535-G-A. GRCh37 (hg19) VCF-style: chr5-112175232-G-A.
Other names: c.3941G>A, p.Arg1314Lys (NM_001127510.3, NM_001354895.2); c.3887G>A, p.Arg1296Lys (NM_001127511.3); c.3995G>A, p.Arg1332Lys (NM_001354896.2); c.3971G>A, p.Arg1324Lys (NM_001354897.2); c.3866G>A, p.Arg1289Lys (NM_001354898.2); c.3857G>A, p.Arg1286Lys (NM_001354899.2); c.3818G>A, p.Arg1273Lys (NM_001354900.2); c.3764G>A, p.Arg1255Lys (NM_001354901.2); and 5 more; short protein forms R1223K, R1296K, R1332K, R1031K, R1324K, R1286K, R1154K, R1188K.
Identifiers: ClinVar variation 824403 (VCV000824403.15), dbSNP rs1381855818, ClinGen allele CA16029978.